The following is an entry in ClinVar:

NM_001104631.2(PDE4D):c.456-214366G>A

Gene: PDE4D (phosphodiesterase 4D; minus strand). Cytogenetic location: 5q11.2.
Variant type: single nucleotide variant.
Coding change: c.456-214366G>A on transcript NM_001104631.2 (MANE Select); 214366 bases into the intron before coding-DNA position 456, G replaced by A.
Molecular consequence: intron variant. On other transcripts: missense variant (1).
Genome position (GRCh38, 1-based): chr5:59,430,334, C>T on the plus strand (G>A on the coding strand, the complement: PDE4D is on the minus strand). VCF-style: chr5-59430334-C-T. GRCh37 (hg19) VCF-style: chr5-58726160-C-T.
Other names: c.85G>A, p.Ala29Thr (NM_001349242.2); c.273-214366G>A (NM_001364599.1, NM_001165899.2, NM_001364600.2); c.-239-214366G>A (NM_001349243.2); c.243-214366G>A (NM_001349241.2); c.264-214366G>A (NM_001197218.2, NM_001364602.2, NM_001364601.1); c.-495-214366G>A (NM_001364603.1); c.-240+155995G>A (NM_001364604.1); c.47+155995G>A (NM_006203.5); short protein forms A29T.
Identifiers: ClinVar variation 2655475 (VCV002655475.24), dbSNP rs184292597, ClinGen allele CA119220384.

ClinVar aggregate classification (germline): Benign (1 of 4 stars; one submission).

Allele frequency attached by ClinVar (database versions not stated): gnomAD exomes 0.00008; gnomAD 0.00034; TOPMed 0.00034; 1000 Genomes Project 0.00040; 1000 Genomes Project 30x 0.00078.
gnomAD v4.1: 145 of 1,231,304 alleles (0.012%); highest among the groups gnomAD compares: African/African-American, 0.11%; no homozygotes.

Submission:

CeGaT Center for Human Genetics Tuebingen
Classification: Benign. Last evaluated: 2022-03-01. Review status: criteria provided, single submitter. Criteria: CeGaT Center For Human Genetics Tuebingen Variant Classification Criteria Version 2. Collection method: clinical testing. Allele origin: germline. Affected: yes. Observed: 1 variant allele.
Comment: PDE4D: BS1, BS2